The following is an entry in ClinVar:

NM_000548.5(TSC2):c.4114_4123dup (p.Ser1375fs)

Gene: TSC2 (TSC complex subunit 2; plus strand). Cytogenetic location: 16p13.3.
Variant type: Duplication.
Coding change: c.4114_4123dup on transcript NM_000548.5 (MANE Select); coding-DNA positions 4114 to 4123, 10 bases duplicated (GTGGACCTCT; older notation c.4114_4123dupGTGGACCTCT).
Protein change: p.Ser1375fs; shifts the reading frame from serine 1375.
Molecular consequence: frameshift variant.
Genome position (GRCh38, 1-based): chr16:2,084,336-2,084,345, GTGGACCTCT duplicated; duplicating any 10 consecutive bases within chr16:2,084,331-2,084,345 gives the same sequence; the c. name uses the placement nearest the transcript's 3' end. VCF-style (leftmost placement, unchanged base first): chr16-2084330-C-CCCTCTGTGGA. GRCh37 (hg19) VCF-style: chr16-2134331-C-CCCTCTGTGGA.
Other names: c.3946_3955dup, p.Ser1319fs (NM_001318832.2); c.3916_3925dup, p.Ser1309fs (NM_001363528.2); c.3982_3991dup, p.Ser1331fs (NM_001370404.1); c.3985_3994dup, p.Ser1332fs (NM_001370405.1, NM_021055.3); c.3913_3922dup, p.Ser1308fs (NM_001077183.3); c.4045_4054dup, p.Ser1352fs (NM_001114382.3); c.3805_3814dup, p.Ser1272fs (NM_001318827.2); c.3769_3778dup, p.Ser1260fs (NM_001318829.2); and 1 more; short protein forms S1332fs, S1260fs, S1272fs, S1319fs, S1131fs, S1352fs, S1375fs, S1308fs.
Identifiers: ClinVar variation 1451537 (VCV001451537.7), dbSNP rs2151523516, ClinGen allele CA2573151610.
Genomic context (GRCh38, chr16:2,084,330, plus strand): 5'-GAGGAGCTGGTTGGCAGGGGCATCCCCATCGAGCGAGTCGTCTCCTCGGAGGGTGGCCGG[C>CCCTCTGTGGA]CCTCTGTGGACCTCTCCTTCCAGCCCTCGCAGCCCCTGAGCAAGTCCAGCTCCTCTCCCG-3'

ClinVar aggregate classification (germline): Pathogenic. Review status: criteria provided, multiple submitters, no conflicts (2 of 4 stars). 2 submissions from 2 submitters: Pathogenic (2). Last evaluated 2026-09-01.

Conditions:
Tuberous sclerosis 2 (TSC2). Identifiers: Orphanet 805, MedGen C1860707, MONDO:0013199, OMIM 613254.

Submissions (2):

CeGaT Center for Human Genetics Tuebingen
Classification: Pathogenic. Last evaluated: 2026-09-01. Review status: criteria provided, single submitter. Criteria: CeGaT Center For Human Genetics Tuebingen Variant Classification Criteria Version 2. Collection method: clinical testing. Allele origin: germline. Affected: yes. Observed: 1 variant allele.
Comment: TSC2: PVS1, PM2

Labcorp Genetics (formerly Invitae), Labcorp
Classification: Pathogenic for Tuberous sclerosis 2. Last evaluated: 2020-11-28. Review status: criteria provided, single submitter. Criteria: Invitae Variant Classification Sherloc (09022015). Collection method: clinical testing. Allele origin: germline.
Comment: This variant is not present in population databases (ExAC no frequency). This sequence change creates a premature translational stop signal (p.Ser1375Cysfs*42) in the TSC2 gene. It is expected to result in an absent or disrupted protein product. Loss-of-function variants in TSC2 are known to be pathogenic (PMID: 10205261, 17304050). This variant has not been reported in the literature in individuals with TSC2-related conditions. For these reasons, this variant has been classified as Pathogenic.

Literature cited by the submitters: PubMed 10205261 (cited by Labcorp Genetics (formerly Invitae), Labcorp); PubMed 17304050 (cited by Labcorp Genetics (formerly Invitae), Labcorp).